The following is an entry in ClinVar:

NM_006059.4(LAMC3):c.2780A>T (p.Asp927Val)

Gene: LAMC3 (laminin subunit gamma 3; plus strand). Cytogenetic location: 9q34.12.
Variant type: single nucleotide variant.
Coding change: c.2780A>T on transcript NM_006059.4 (MANE Select); coding-DNA position 2780, A replaced by T.
Protein change: p.Asp927Val; replaces aspartic acid 927 with valine.
Molecular consequence: missense variant.
Genome position (GRCh38, 1-based): chr9:131,068,940, A>T. VCF-style: chr9-131068940-A-T. GRCh37 (hg19) VCF-style: chr9-133944327-A-T.
Other names: short protein forms D927V.
Identifiers: ClinVar variation 1440497 (VCV001440497.5), dbSNP rs1391729059, ClinGen allele CA375254624.

ClinVar aggregate classification (germline): Uncertain significance (1 of 4 stars; one submission).

Allele frequency attached by ClinVar (database versions not stated): gnomAD exomes below 0.00001 and 0.00001; TOPMed 0.00001.
gnomAD v4.1: 10 of 1,613,942 alleles (0.00062%); highest among the groups gnomAD compares: Middle Eastern, 0.033%; no homozygotes.

Submission:

Labcorp Genetics (formerly Invitae), Labcorp
Classification: Uncertain significance. Last evaluated: 2021-09-07. Review status: criteria provided, single submitter. Criteria: Invitae Variant Classification Sherloc (09022015). Collection method: clinical testing. Allele origin: germline.
Comment: This sequence change replaces aspartic acid with valine at codon 927 of the LAMC3 protein (p.Asp927Val). The aspartic acid residue is weakly conserved and there is a large physicochemical difference between aspartic acid and valine. This variant is not present in population databases (ExAC no frequency). This variant has not been reported in the literature in individuals affected with LAMC3-related conditions. Algorithms developed to predict the effect of missense changes on protein structure and function (SIFT, PolyPhen-2, Align-GVGD) all suggest that this variant is likely to be tolerated. In summary, the available evidence is currently insufficient to determine the role of this variant in disease. Therefore, it has been classified as a Variant of Uncertain Significance.